The following is an entry in ClinVar:

ClinVar aggregate classification (germline): Likely benign (1 of 4 stars; one submission).

Conditions:
Birt-Hogg-Dube syndrome 1 (BHD1). Also called: FIBROFOLLICULOMAS WITH TRICHODISCOMAS AND ACROCHORDONS. Identifiers: Orphanet 122, MedGen CN375946, MONDO:0800445, OMIM 135150.

Submission:

Myriad Genetics, Inc.
Classification: Likely benign for Birt-Hogg-Dube syndrome 1. Last evaluated: 2024-10-22. Review status: criteria provided, single submitter. Criteria: Myriad Autosomal Dominant, Autosomal Recessive and X-Linked Classification Criteria (2023). Collection method: clinical testing. Allele origin: unknown.
Comment: This variant is considered likely benign. This variant is intronic and is not expected to impact mRNA splicing.

NM_144997.7(FLCN):c.249+9C>T

Gene: FLCN (folliculin; minus strand). Cytogenetic location: 17p11.2.
Variant type: single nucleotide variant.
Coding change: c.249+9C>T on transcript NM_144997.7 (MANE Select); 9 bases into the intron after coding-DNA position 249, C replaced by T.
Molecular consequence: intron variant.
Genome position (GRCh38, 1-based): chr17:17,227,880, G>A on the plus strand (C>T on the coding strand, the complement: FLCN is on the minus strand). VCF-style: chr17-17227880-G-A. GRCh37 (hg19) VCF-style: chr17-17131194-G-A.
Other names: c.249+9C>T (NM_001353231.2, NM_001353230.2, NM_001353229.2 and 1 more transcripts).
Identifiers: ClinVar variation 3773483 (VCV003773483.1).
Genomic context (GRCh38, chr17:17,227,880, plus strand): 5'-TCTCAGGTCCTCCTGTCCATCCCACACCTACTGCAGGGATCACAAAACCAAGACCCCAAA[G>A]ACACTTGCCTCGCACATGTCCGACTTTTTGGGCCCCGGGCTGCTGGACTCGACGCTGGCC-3'